The following is an entry in ClinVar:

NM_000540.3(RYR1):c.2287G>A (p.Val763Met)

Gene: RYR1 (ryanodine receptor 1; plus strand). Cytogenetic location: 19q13.2.
Variant type: single nucleotide variant.
Coding change: c.2287G>A on transcript NM_000540.3 (MANE Select); coding-DNA position 2287, G replaced by A.
Protein change: p.Val763Met; replaces valine 763 with methionine.
Molecular consequence: missense variant.
Genome position (GRCh38, 1-based): chr19:38,459,265, G>A. VCF-style: chr19-38459265-G-A. GRCh37 (hg19) VCF-style: chr19-38949905-G-A.
Other names: c.2287G>A, p.Val763Met (NM_001042723.2); short protein forms V763M.
Identifiers: ClinVar variation 590499 (VCV000590499.9), dbSNP rs369947687, ClinGen allele CA063078.

ClinVar aggregate classification (germline): Conflicting classifications of pathogenicity. Review status: criteria provided, conflicting classifications (1 of 4 stars). 4 submissions from 4 submitters: Likely pathogenic (2); Uncertain significance (2). Last evaluated 2026-10-07.

Conditions:
Malignant hyperthermia, susceptibility to, 1 (MHS1). Also called: Anesthesia related hyperthermia; Malignant hyperpyrexia; Fulminating hyperpyrexia; Pharmacogenic myopathy; RYR1-Related Malignant Hyperthermia Susceptibility; Malignant hyperthermia suceptibility 1. Identifiers: Orphanet 423, MedGen C2930980, MONDO:0007783, OMIM 145600.
Central core myopathy (CMYO1A). Also called: CONGENITAL MYOPATHY 1A, AUTOSOMAL DOMINANT, WITH SUSCEPTIBILITY TO MALIGNANT HYPERTHERMIA; Central core disease; Myopathy, central fibrillar. Identifiers: Orphanet 597, MedGen C5830701, MONDO:0007294, OMIM 117000.
Congenital multicore myopathy with external ophthalmoplegia (CMYO1B). Also called: Congenital myopathy 1B, autosomal recessive; Minicore myopathy; Minicore myopathy with external ophthalmoplegia; MULTIMINICORE DISEASE WITH EXTERNAL OPHTHALMOPLEGIA; MULTICORE MYOPATHY. Identifiers: Orphanet 598, Orphanet 98905, MedGen C1850674, MONDO:0009712, OMIM 255320, HP:0003789.
King Denborough syndrome (KDS). Identifiers: MedGen C1840365, MONDO:0020485, OMIM 619542.
RYR1-related disorder. Also called: RYR1-related disorders; RYR1-related condition. Identifiers: MedGen CN239331.

Allele frequency attached by ClinVar (database versions not stated): TOPMed 0.00001.
gnomAD v4.1: 8 of 1,613,972 alleles (0.0005%); highest among the groups gnomAD compares: East Asian, 0.011%; no homozygotes.

Submissions (4):

GeneDx
Classification: Likely pathogenic. Last evaluated: 2026-10-07. Review status: criteria provided, single submitter. Criteria: GeneDx Variant Classification Process June 2021. Collection method: clinical testing. Allele origin: germline.
Comment: Not observed at significant frequency in large population cohorts (gnomAD); In silico analysis supports that this missense variant has a deleterious effect on protein structure/function; This variant is associated with the following publications: (PMID: 25635128, 29629541, 37602753, 27363342)

Fulgent Genetics
Classification: Likely pathogenic for Central core myopathy; Malignant hyperthermia, susceptibility to, 1; Congenital multicore myopathy with external ophthalmoplegia; King Denborough syndrome. Last evaluated: 2024-05-24. Review status: criteria provided, single submitter. Criteria: ACMG Guidelines, 2015. Collection method: clinical testing. Allele origin: germline.

Labcorp Genetics (formerly Invitae), Labcorp
Classification: Uncertain significance for RYR1-related disorder. Last evaluated: 2022-03-04. Review status: criteria provided, single submitter. Criteria: Invitae Variant Classification Sherloc (09022015). Collection method: clinical testing. Allele origin: germline.
Comment: This sequence change replaces valine, which is neutral and non-polar, with methionine, which is neutral and non-polar, at codon 763 of the RYR1 protein (p.Val763Met). This variant is present in population databases (rs369947687, gnomAD 0.01%). This missense change has been observed in individual(s) with clinical features of autosomal recessive RYR1-related conditions (PMID: 25635128, 27363342, 29629541). ClinVar contains an entry for this variant (Variation ID: 590499). Algorithms developed to predict the effect of missense changes on protein structure and function are either unavailable or do not agree on the potential impact of this missense change (SIFT: "Deleterious"; PolyPhen-2: "Probably Damaging"; Align-GVGD: "Class C0"). In summary, the available evidence is currently insufficient to determine the role of this variant in disease. Therefore, it has been classified as a Variant of Uncertain Significance.

PreventionGenetics, part of Exact Sciences
Classification: Uncertain significance. Last evaluated: 2015-10-15. Review status: criteria provided, single submitter. Criteria: ACMG Guidelines, 2015. Collection method: clinical testing. Allele origin: germline.

Literature cited by the submitters: PubMed 25635128 (cited by Labcorp Genetics (formerly Invitae), Labcorp); PubMed 27363342 (cited by Labcorp Genetics (formerly Invitae), Labcorp); PubMed 29629541 (cited by Labcorp Genetics (formerly Invitae), Labcorp).